The following is an entry in ClinVar:

NM_001282531.3(ADNP):c.1661T>C (p.Leu554Ser)

Gene: ADNP (activity dependent neuroprotector homeobox; minus strand). Cytogenetic location: 20q13.13.
Variant type: single nucleotide variant.
Coding change: c.1661T>C on transcript NM_001282531.3 (MANE Select); coding-DNA position 1661, T replaced by C.
Protein change: p.Leu554Ser; replaces leucine 554 with serine.
Molecular consequence: missense variant.
Genome position (GRCh38, 1-based): chr20:50,893,053, A>G on the plus strand (T>C on the coding strand, the complement: ADNP is on the minus strand). VCF-style: chr20-50893053-A-G. GRCh37 (hg19) VCF-style: chr20-49509590-A-G.
Other names: c.1661T>C, p.Leu554Ser (NM_001282532.2, NM_001347511.2, NM_015339.5 and 1 more transcripts); short protein forms L554S.
Identifiers: ClinVar variation 2136269 (VCV002136269.2), dbSNP rs746893388, ClinGen allele CA315257485.
Genomic context (GRCh38, chr20:50,893,053, plus strand): 5'-GCATCCCTCAGATTGTATGTAGTTACCAGGAGATGGATGTTAGTGTGACTACCCTGCTGC[A>G]ATGTCAAATCAAAACTCAAAGTAGAATCTGTTTTAGGTCCCATCTCTTCATCAATGTGAA-3'
Protein context (NP_001269460.1, residues 544-564): TDSTLSFDLT[Leu554Ser]QQGSHTNIHL

ClinVar aggregate classification (germline): Uncertain significance (1 of 4 stars; one submission).

Allele frequency attached by ClinVar (database versions not stated): gnomAD exomes below 0.00001; TOPMed below 0.00001.
gnomAD v4.1: 4 of 1,614,238 alleles (0.00025%); highest among the groups gnomAD compares: Non-Finnish European, 0.00034%; no homozygotes.

Submission:

GeneDx
Classification: Uncertain significance. Last evaluated: 2025-12-18. Review status: criteria provided, single submitter. Criteria: GeneDx Variant Classification Process June 2021. Collection method: clinical testing. Allele origin: germline. Affected: yes.
Comment: Not observed at significant frequency in large population cohorts (gnomAD); In silico analysis suggests that this missense variant does not alter protein structure/function; Has not been previously published as pathogenic or benign to our knowledge